The following is an entry in ClinVar:

ClinVar aggregate classification (germline): Uncertain significance (1 of 4 stars; one submission).

Conditions:
Netherton syndrome (NETH). Also called: NETHERTON DISEASE; ERYTHRODERMA, ICHTHYOSIFORM, WITH HYPOTRICHOSIS AND HYPER-IgE; COMEL-NETHERTON SYNDROME. Identifiers: Orphanet 634, MedGen C5574950, MONDO:0009735, OMIM 256500.

Allele frequency attached by ClinVar (database versions not stated): ExAC 0.00001; gnomAD 0.00001; gnomAD exomes 0.00001; TOPMed 0.00001.
gnomAD v4.1: 12 of 1,608,512 alleles (0.00075%); highest among the groups gnomAD compares: Middle Eastern, 0.017%; no homozygotes.

Submission:

Labcorp Genetics (formerly Invitae), Labcorp
Classification: Uncertain significance for Ichthyosis linearis circumflexa. Last evaluated: 2022-05-30. Review status: criteria provided, single submitter. Criteria: Invitae Variant Classification Sherloc (09022015). Collection method: clinical testing. Allele origin: germline.
Comment: This sequence change replaces lysine, which is basic and polar, with asparagine, which is neutral and polar, at codon 899 of the SPINK5 protein (p.Lys899Asn). This variant is present in population databases (rs775645249, gnomAD 0.006%). This variant has not been reported in the literature in individuals affected with SPINK5-related conditions. ClinVar contains an entry for this variant (Variation ID: 939462). Algorithms developed to predict the effect of missense changes on protein structure and function output the following: SIFT: "Tolerated"; PolyPhen-2: "Benign"; Align-GVGD: "Class C0". The asparagine amino acid residue is found in multiple mammalian species, which suggests that this missense change does not adversely affect protein function. In summary, the available evidence is currently insufficient to determine the role of this variant in disease. Therefore, it has been classified as a Variant of Uncertain Significance.

NM_006846.4(SPINK5):c.2697A>C (p.Lys899Asn)

Gene: SPINK5 (serine peptidase inhibitor Kazal type 5; plus strand). Cytogenetic location: 5q32.
Variant type: single nucleotide variant.
Coding change: c.2697A>C on transcript NM_006846.4 (MANE Select); coding-DNA position 2697, A replaced by C.
Protein change: p.Lys899Asn; replaces lysine 899 with asparagine.
Molecular consequence: missense variant.
Genome position (GRCh38, 1-based): chr5:148,124,795, A>C. VCF-style: chr5-148124795-A-C. GRCh37 (hg19) VCF-style: chr5-147504358-A-C.
Other names: c.2697A>C, p.Lys899Asn (NM_001127698.2, NM_001127699.2); short protein forms K899N.
Identifiers: ClinVar variation 939462 (VCV000939462.7), dbSNP rs775645249, ClinGen allele CA3496086.